The following is an entry in ClinVar:

NM_001363711.2(DUOX2):c.3232G>A (p.Val1078Met)

Gene: DUOX2 (dual oxidase 2; minus strand). Cytogenetic location: 15q21.1.
Variant type: single nucleotide variant.
Coding change: c.3232G>A on transcript NM_001363711.2 (MANE Select); coding-DNA position 3232, G replaced by A.
Protein change: p.Val1078Met; replaces valine 1078 with methionine.
Molecular consequence: missense variant.
Genome position (GRCh38, 1-based): chr15:45,099,845, C>T on the plus strand (G>A on the coding strand, the complement: DUOX2 is on the minus strand). VCF-style: chr15-45099845-C-T. GRCh37 (hg19) VCF-style: chr15-45392043-C-T.
Other names: c.3232G>A, p.Val1078Met (NM_014080.5); short protein forms V1078M.
Identifiers: ClinVar variation 316154 (VCV000316154.15), dbSNP rs147772932, ClinGen allele CA7537954.

ClinVar aggregate classification (germline): Conflicting classifications of pathogenicity. Review status: criteria provided, conflicting classifications (1 of 4 stars). 4 submissions from 4 submitters: Uncertain significance (2); Likely benign (2). Last evaluated 2026-01-20.

Conditions:
Thyroid dyshormonogenesis 6 (TDH6). Also called: THYROID HORMONOGENESIS, GENETIC DEFECT IN, 6; HYPOTHYROIDISM, CONGENITAL, DUE TO DYSHORMONOGENESIS, 6; Genetic transient congenital hypothyroidism. Identifiers: Orphanet 226316, Orphanet 95716, MedGen C1846632, MONDO:0011792, OMIM 607200.
DUOX2-related disorder. Also called: DUOX2-related condition.

Allele frequency attached by ClinVar (database versions not stated): gnomAD exomes 0.00032 and 0.00051; ExAC 0.00061; 1000 Genomes Project 30x 0.00094; 1000 Genomes Project 0.00120; gnomAD 0.00125 and 0.00130; TOPMed 0.00128; ESP Exome Variant Server 0.00131.
gnomAD v4.1: 681 of 1,614,182 alleles (0.042%); highest among the groups gnomAD compares: African/African-American, 0.31%; 1 homozygote.

Submissions (4):

Labcorp Genetics (formerly Invitae), Labcorp
Classification: Likely benign. Last evaluated: 2026-01-20. Review status: criteria provided, single submitter. Criteria: Invitae Variant Classification Sherloc (09022015). Collection method: clinical testing. Allele origin: germline.

PreventionGenetics, part of Exact Sciences
Classification: Likely benign for DUOX2-related condition. Last evaluated: 2025-05-30. Review status: criteria provided, single submitter. Criteria: ACMG Guidelines, 2015. Collection method: clinical testing. Allele origin: germline.
Comment: This variant is classified as likely benign based on ACMG/AMP sequence variant interpretation guidelines (Richards et al. 2015 PMID: 25741868, with internal and published modifications).

Women's Health and Genetics/Laboratory Corporation of America, LabCorp
Classification: Uncertain significance. Last evaluated: 2023-04-13. Review status: criteria provided, single submitter. Criteria: LabCorp Variant Classification Summary - May 2015. Collection method: clinical testing. Allele origin: germline.
Comment: Variant summary: DUOX2 c.3232G>A (p.Val1078Met) results in a conservative amino acid change in the encoded protein sequence. Four of five in-silico tools predict a benign effect of the variant on protein function. The variant allele was found at a frequency of 0.00051 in 251394 control chromosomes. c.3232G>A has been reported in the literature in individuals affected with Thyroid Dyshormonogenesis 6 and related conditions (de Filippis_2017 and Medda_2019) without strong evidence for causality. These reports do not provide unequivocal conclusions about association of the variant with Thyroid Dyshormonogenesis 6. To our knowledge, no experimental evidence demonstrating an impact on protein function has been reported. Two clinical diagnostic laboratories have submitted clinical-significance assessments for this variant to ClinVar after 2014 without evidence for independent evaluation. One laboratory classified the variant as likely benign, and one laboratory classified the variant as uncertain significance. Based on the evidence outlined above, the variant was classified as uncertain significance.

Illumina Laboratory Services, Illumina
Classification: Uncertain significance for Thyroid dyshormonogenesis 6. Last evaluated: 2018-01-12. Review status: criteria provided, single submitter. Criteria: ICSL Variant Classification Criteria 13 December 2019. Collection method: clinical testing. Allele origin: germline.

Literature cited by the submitters: PubMed 26334177 (cited by Women's Health and Genetics/Laboratory Corporation of America, LabCorp); PubMed 28444304 (cited by Women's Health and Genetics/Laboratory Corporation of America, LabCorp); PubMed 31287502 (cited by Women's Health and Genetics/Laboratory Corporation of America, LabCorp).